The following is an entry in ClinVar:

NM_000388.4(CASR):c.2099A>G (p.Asn700Ser)

Gene: CASR (calcium sensing receptor; plus strand). Cytogenetic location: 3q21.1.
Variant type: single nucleotide variant.
Coding change: c.2099A>G on transcript NM_000388.4 (MANE Select); coding-DNA position 2099, A replaced by G.
Protein change: p.Asn700Ser; replaces asparagine 700 with serine.
Molecular consequence: missense variant.
Genome position (GRCh38, 1-based): chr3:122,284,053, A>G. VCF-style: chr3-122284053-A-G. GRCh37 (hg19) VCF-style: chr3-122002900-A-G.
Other names: c.2129A>G, p.Asn710Ser (NM_001178065.2); short protein forms N700S, N710S.
Identifiers: ClinVar variation 661907 (VCV000661907.8), dbSNP rs1576877437, ClinGen allele CA354158536.
Genomic context (GRCh38, chr3:122,284,053, plus strand): 5'-GCCAGCCGGCCTTTGGCATCAGCTTCGTGCTCTGCATCTCATGCATCCTGGTGAAAACCA[A>G]CCGTGTCCTCCTGGTGTTTGAGGCCAAGATCCCCACCAGCTTCCACCGCAAGTGGTGGGG-3'
Protein context (NP_000379.3, residues 690-710): LCISCILVKT[Asn700Ser]RVLLVFEAKI

ClinVar aggregate classification (germline): Uncertain significance. Review status: criteria provided, multiple submitters, no conflicts (2 of 4 stars). 2 submissions from 2 submitters: Uncertain significance (2). Last evaluated 2024-03-11.

Conditions:
Epilepsy, idiopathic generalized, susceptibility to, 8. Identifiers: MedGen C2752062, MONDO:0013032, OMIM 612899.
Autosomal dominant hypocalcemia 1 (HYPOC1). Also called: HYPOCALCEMIA, FAMILIAL. Identifiers: MedGen C3715128, MONDO:0011013, OMIM 601198.
Familial hypocalciuric hypercalcemia 1. Also called: Hypercalcemia, familial benign type 1. Identifiers: Orphanet 405, Orphanet 93372, MedGen C0342637, MONDO:0007791, OMIM 145980.
Neonatal severe primary hyperparathyroidism. Identifiers: Orphanet 417, MedGen C1832615, MONDO:0009397, OMIM 239200.
Familial hypocalciuric hypercalcemia (FHH). Also called: Familial benign hypercalcemia. Identifiers: Orphanet 405, MedGen C1809471, MONDO:0018458.

Submissions (2):

Labcorp Genetics (formerly Invitae), Labcorp
Classification: Uncertain significance for Familial hypocalciuric hypercalcemia; Autosomal dominant hypocalcemia 1. Last evaluated: 2024-03-11. Review status: criteria provided, single submitter. Criteria: Invitae Variant Classification Sherloc (09022015). Collection method: clinical testing. Allele origin: germline.
Comment: This sequence change replaces asparagine, which is neutral and polar, with serine, which is neutral and polar, at codon 700 of the CASR protein (p.Asn700Ser). This variant is not present in population databases (gnomAD no frequency). This variant has not been reported in the literature in individuals affected with CASR-related conditions. ClinVar contains an entry for this variant (Variation ID: 661907). An algorithm developed to predict the effect of missense changes on protein structure and function (PolyPhen-2) suggests that this variant is likely to be disruptive. In summary, the available evidence is currently insufficient to determine the role of this variant in disease. Therefore, it has been classified as a Variant of Uncertain Significance.

Fulgent Genetics
Classification: Uncertain significance for Familial hypocalciuric hypercalcemia 1; Neonatal severe primary hyperparathyroidism; Autosomal dominant hypocalcemia 1; Epilepsy, idiopathic generalized, susceptibility to, 8. Last evaluated: 2022-03-24. Review status: criteria provided, single submitter. Criteria: ACMG Guidelines, 2015. Collection method: clinical testing. Allele origin: unknown.